The following is an entry in ClinVar:

ClinVar aggregate classification (germline): Uncertain significance (1 of 4 stars; one submission).

Conditions:
Cardiovascular phenotype. Identifiers: MedGen CN230736.

Submission:

Ambry Genetics
Classification: Uncertain significance for Cardiovascular phenotype. Last evaluated: 2025-08-09. Review status: criteria provided, single submitter. Criteria: Ambry Variant Classification Scheme 2023. Collection method: clinical testing. Allele origin: germline.
Comment: The p.H482Y variant (also known as c.1444C>T), located in coding exon 10 of the LMF1 gene, results from a C to T substitution at nucleotide position 1444. The histidine at codon 482 is replaced by tyrosine, an amino acid with similar properties. This amino acid position is conserved. In addition, the in silico prediction for this alteration is inconclusive. Based on the available evidence, the clinical significance of this variant remains unclear.

NM_022773.4(LMF1):c.1444C>T (p.His482Tyr)

Gene: LMF1 (lipase maturation factor 1; minus strand). Cytogenetic location: 16p13.3.
Variant type: single nucleotide variant.
Coding change: c.1444C>T on transcript NM_022773.4 (MANE Select); coding-DNA position 1444, C replaced by T.
Protein change: p.His482Tyr; replaces histidine 482 with tyrosine.
Molecular consequence: missense variant. On other transcripts: non-coding transcript variant (1).
Genome position (GRCh38, 1-based): chr16:869,029, G>A on the plus strand (C>T on the coding strand, the complement: LMF1 is on the minus strand). VCF-style: chr16-869029-G-A. GRCh37 (hg19) VCF-style: chr16-919029-G-A.
Other names: c.793C>T, p.His265Tyr (NM_001352017.2, NM_001352021.2); c.1045C>T, p.His349Tyr (NM_001352018.2); c.1117C>T, p.His373Tyr (NM_001352019.2); c.1364C>T, p.Pro455Leu (NM_001352020.1); short protein forms H373Y, H482Y, H265Y, P455L, H349Y.
Identifiers: ClinVar variation 4098531 (VCV004098531.1).
Genomic context (GRCh38, chr16:869,029, plus strand): 5'-GGTTGTGTGCCAGCAGGGACAAGGCCTCGGCGTCGCTGGCCAGGAGCTTGCCAGCCAGGT[G>A]GATGATCCAGTCGTTGTGCTCGTAGGTCTGGGAGGAGAGGTCGGGCTGGAGACGGCTGTG-3'
Protein context (NP_073610.2, residues 472-492): QTYEHNDWII[His482Tyr]LAGKLLASDA